The following is an entry in ClinVar:

NM_000320.3(QDPR):c.267A>G (p.Gly89=)

Gene: QDPR (quinoid dihydropteridine reductase; minus strand). Cytogenetic location: 4p15.32.
Variant type: single nucleotide variant.
Coding change: c.267A>G on transcript NM_000320.3 (MANE Select); coding-DNA position 267, A replaced by G.
Protein change: p.Gly89=; no amino-acid change (glycine 89 retained).
Molecular consequence: synonymous variant. On other transcripts: non-coding transcript variant (1).
Genome position (GRCh38, 1-based): chr4:17,504,407, T>C on the plus strand (A>G on the coding strand, the complement: QDPR is on the minus strand). VCF-style: chr4-17504407-T-C. GRCh37 (hg19) VCF-style: chr4-17506030-T-C.
Other names: c.174A>G, p.Gly58= (NM_001306140.2).
Identifiers: ClinVar variation 4291988 (VCV004291988.2).

ClinVar aggregate classification (germline): Uncertain significance (1 of 4 stars; one submission).

Conditions:
Dihydropteridine reductase deficiency (HPABH4C). Also called: BH4-Deficient Hyperphenylalaninemia C; HYPERPHENYLALANINEMIA, TETRAHYDROBIOPTERIN-DEFICIENT, DUE TO DHPR DEFICIENCY; QDPR DEFICIENCY; QUINOID DIHYDROPTERIDINE REDUCTASE DEFICIENCY; Phenylketonuria II; Hyperphenylalaninemia due to dihydropteridine reductase deficiency. Identifiers: Orphanet 226, Orphanet 238583, MedGen C0268465, MONDO:0009862, OMIM 261630.

Submission:

3billion
Classification: Uncertain significance for Dihydropteridine reductase deficiency. Last evaluated: 2025-09-10. Review status: criteria provided, single submitter. Criteria: ACMG Guidelines, 2015. Collection method: clinical testing. Allele origin: germline. Affected: yes.
Comment: The variant is not observed in the gnomAD v4.1.0 dataset. Predicted Consequence/Location: Synonymous variant In silico tools predict the variant to alter splicing and produce an abnormal transcript [SpliceAI: 0.64 (>=0.2, moderate evidence for spliceogenicity)]. Therefore, this variant is classified as VUS according to the recommendation of ACMG/AMP guideline.